The following is an entry in ClinVar:

ClinVar aggregate classification (germline): Likely pathogenic (1 of 4 stars; one submission).

Submission:

Dasa
Classification: Likely pathogenic. Last evaluated: 2026-01-23. Review status: criteria provided, single submitter. Criteria: DASA Assertion Criteria. Collection method: clinical testing. Allele origin: germline.
Comment: NM_002968.3(SALL1):c.2552T>G (p.Leu851*) is a nonsense variant in SALL1 predicted to introduce a premature termination codon and is predicted to result in an absent or altered protein product. Loss of function is an established disease mechanism for SALL1-associated disorders. Also, this variant is rare in population databases. Based on the currently available evidence, this variant is classified as likely pathogenic.

NM_002968.3(SALL1):c.2552T>G (p.Leu851Ter)

Gene: SALL1 (spalt like transcription factor 1; minus strand). Cytogenetic location: 16q12.1.
Variant type: single nucleotide variant.
Coding change: c.2552T>G on transcript NM_002968.3 (MANE Select); coding-DNA position 2552, T replaced by G.
Protein change: p.Leu851Ter; replaces leucine 851 with a stop codon.
Molecular consequence: nonsense.
Genome position (GRCh38, 1-based): chr16:51,139,670, A>C on the plus strand (T>G on the coding strand, the complement: SALL1 is on the minus strand). VCF-style: chr16-51139670-A-C. GRCh37 (hg19) VCF-style: chr16-51173581-A-C.
Other names: c.2261T>G, p.Leu754Ter (NM_001127892.2); short protein forms L754*, L851*.
Identifiers: ClinVar variation 4856968 (VCV004856968.2).